The following is an entry in ClinVar:

NM_000493.4(COL10A1):c.43T>G (p.Leu15Val)

Genes: NT5DC1 (5'-nucleotidase domain containing 1; plus strand), COL10A1 (collagen type X alpha 1 chain; minus strand). Cytogenetic location: 6q22.1.
Variant type: single nucleotide variant.
Coding change: c.43T>G on transcript NM_000493.4 (MANE Select); coding-DNA position 43, T replaced by G.
Protein change: p.Leu15Val; replaces leucine 15 with valine.
Molecular consequence: missense variant. On other transcripts: intron variant (1).
Genome position (GRCh38, 1-based): chr6:116,125,450, A>C on the plus strand (T>G on the coding strand, the complement: COL10A1 is on the minus strand). VCF-style: chr6-116125450-A-C. GRCh37 (hg19) VCF-style: chr6-116446613-A-C.
Other names: c.43T>G, p.Leu15Val (NM_001424106.1, NM_001424107.1); c.529+7505A>C (NM_152729.3); short protein forms L15V.
Identifiers: ClinVar variation 355115 (VCV000355115.18), dbSNP rs147612968, ClinGen allele CA3968514.
Genomic context (GRCh38, chr6:116,125,450, plus strand): 5'-GTGGGCCTTTTATGCCTGTGGGCATTTGGTATCGTTCAGCGTAAAACACTCCATGAACCA[A>C]GTTCAAGGATACTAGCAGCAAAAAGGGTATTTGTGGCAGCATATTCTCAGATGGATTCTG-3'
Protein context (NP_000484.2, residues 5-25): IPFLLLVSLN[Leu15Val]VHGVFYAERY

ClinVar aggregate classification (germline): Conflicting classifications of pathogenicity. Review status: criteria provided, conflicting classifications (1 of 4 stars). 5 submissions from 5 submitters: Uncertain significance (1); Benign (1); Likely benign (2). 1 of the submissions does not count toward it. Last evaluated 2026-03-09.

Conditions:
Inborn genetic diseases. Identifiers: MedGen C0950123, MeSH D030342.
Metaphyseal chondrodysplasia, Schmid type (MCDS). Also called: SPONDYLOMETAPHYSEAL DYSPLASIA, JAPANESE TYPE. Identifiers: Orphanet 174, MedGen C0265289, MONDO:0007983, OMIM 156500.

Allele frequency attached by ClinVar (database versions not stated): gnomAD exomes 0.00028; ExAC 0.00038; gnomAD 0.00088 and 0.00091; TOPMed 0.00104; ESP Exome Variant Server 0.00161; 1000 Genomes Project 30x 0.00250; 1000 Genomes Project 0.00260.
gnomAD v4.1: 284 of 1,613,920 alleles (0.018%); highest among the groups gnomAD compares: African/African-American, 0.32%; no homozygotes.

Submissions (5):

Women's Health and Genetics/Laboratory Corporation of America, LabCorp
Classification: Likely benign. Last evaluated: 2026-03-09. Review status: criteria provided, single submitter. Criteria: LabCorp Variant Classification Summary - May 2015. Collection method: clinical testing. Allele origin: germline.
Comment: Variant summary: COL10A1 c.43T>G (p.Leu15Val) results in a conservative amino acid change in the encoded protein sequence. Algorithms developed to predict the effect of missense changes on protein structure and function are either unavailable or do not agree on the potential impact of this missense change. The variant allele was found at a frequency of 0.00028 in 251456 control chromosomes, predominantly at a frequency of 0.0035 within the African or African-American subpopulation in the gnomAD database. The observed variant frequency within African or African-American control individuals in the gnomAD database exceeds the estimated maximal expected allele frequency for disease-causing variants in COL10A1. To our knowledge, no occurrence of c.43T>G in individuals affected with COL10A1-related conditions and no experimental evidence demonstrating its impact on protein function have been reported. ClinVar contains an entry for this variant (Variation ID: 355115). Based on the evidence outlined above, the variant was classified as likely benign.

Ambry Genetics
Classification: Uncertain significance for Inborn genetic diseases. Last evaluated: 2025-10-23. Review status: criteria provided, single submitter. Criteria: Ambry Variant Classification Scheme 2023. Collection method: clinical testing. Allele origin: germline.

Labcorp Genetics (formerly Invitae), Labcorp
Classification: Likely benign. Last evaluated: 2025-08-01. Review status: criteria provided, single submitter. Criteria: Invitae Variant Classification Sherloc (09022015). Collection method: clinical testing. Allele origin: germline.

Illumina Laboratory Services, Illumina
Classification: Benign for Metaphyseal chondrodysplasia, Schmid type. Last evaluated: 2018-01-13. Review status: criteria provided, single submitter. Criteria: ICSL Variant Classification Criteria 13 December 2019. Collection method: clinical testing. Allele origin: germline.
Comment: This variant was observed in the ICSL laboratory as part of a predisposition screen in an ostensibly healthy population. It had not been previously curated by ICSL or reported in the Human Gene Mutation Database (HGMD: prior to June 1st, 2018), and was therefore a candidate for classification through an automated scoring system. Utilizing variant allele frequency, disease prevalence and penetrance estimates, and inheritance mode, an automated score was calculated to assess if this variant is too frequent to cause the disease. Based on the score and internal cut-off values, a variant classified as benign is not then subjected to further curation. The score for this variant resulted in a classification of benign for this disease.

Department of Pathology and Laboratory Medicine, Sinai Health System
Classification: Uncertain significance. Review status: no assertion criteria provided. Collection method: clinical testing. Allele origin: unknown. Affected: yes. Study: The Canadian Open Genetics Repository (COGR). Not counted in ClinVar's aggregate classification.
Comment: The COL10A1 p.Leu15Val variant was not identified in the literature nor was it identified in the Cosmic or LOVD 3.0 databases. The variant was identified in dbSNP (ID: rs147612968) and ClinVar (classified as likely benign for metaphyseal chondrodysplasia by Illumina in 2016). The variant was identified in control databases in 97 of 282864 chromosomes at a frequency of 0.000343 (Genome Aggregation Database Feb 27, 2017). The variant was observed in the following populations: African in 83 of 24972 chromosomes (freq: 0.003324), Latino in 11 of 35438 chromosomes (freq: 0.00031) and European (non-Finnish) in 3 of 129170 chromosomes (freq: 0.000023); it was not observed in the Ashkenazi Jewish, East Asian, European (Finnish), Other, and South Asian populations. The p.Leu15 residue is not conserved in mammals and computational analyses (PolyPhen-2, SIFT, AlignGVGD, BLOSUM, MutationTaster) provide inconsistent predictions regarding the impact to the protein; this information is not very predictive of pathogenicity. The variant occurs outside of the splicing consensus sequence and 3 of 4 in silico or computational prediction software programs (MaxEntScan, NNSPLICE, GeneSplicer) do not predict a difference in splicing. In summary, based on the above information the clinical significance of this variant cannot be determined with certainty at this time. This variant is classified as a variant of uncertain significance.